The following is an entry in ClinVar:

NM_020975.6(RET):c.319G>A (p.Glu107Lys)

Gene: RET (ret proto-oncogene; plus strand). Cytogenetic location: 10q11.21.
Variant type: single nucleotide variant.
Coding change: c.319G>A on transcript NM_020975.6 (MANE Select); coding-DNA position 319, G replaced by A.
Protein change: p.Glu107Lys; replaces glutamic acid 107 with lysine.
Molecular consequence: missense variant.
Genome position (GRCh38, 1-based): chr10:43,100,704, G>A. VCF-style: chr10-43100704-G-A. GRCh37 (hg19) VCF-style: chr10-43596152-G-A.
Other names: c.319G>A, p.Glu107Lys (NM_000323.2, NM_001406743.1, NM_001406744.1 and 34 more transcripts); short protein forms E107K.
Identifiers: ClinVar variation 1063665 (VCV001063665.12), dbSNP rs1025290394, ClinGen allele CA206713123.

ClinVar aggregate classification (germline): Uncertain significance. Review status: criteria provided, multiple submitters, no conflicts (2 of 4 stars). 4 submissions from 4 submitters: Uncertain significance (4). Last evaluated 2025-08-11.

Conditions:
Multiple endocrine neoplasia, type 2 (MEN2). Identifiers: Orphanet 653, MedGen C4048306, MONDO:0019003. Disease mechanism: gain of function.
Multiple endocrine neoplasia type 2B. Also called: MUCOSAL NEUROMA SYNDROME; Multiple endocrine neoplasia, type 3; MULTIPLE ENDOCRINE NEOPLASIA, TYPE IIB; MEN IIB; NEUROMATA, MUCOSAL, WITH ENDOCRINE TUMORS; WAGENMANN-FROBOESE SYNDROME. Identifiers: Orphanet 247709, Orphanet 653, MedGen C0025269, MeSH D018814, MONDO:0008082, OMIM 162300.
Pheochromocytoma. Also called: MAX-Related Hereditary Paraganglioma-Pheochromocytoma Syndrome. Identifiers: Orphanet 29072, MedGen C0031511, MONDO:0008233, OMIM 171300, HP:0002666.
Familial medullary thyroid carcinoma (MTC). Also called: Thyroid cancer, familial medullary; MTC, familial; Familial Medullary Thyroid Carcinoma (FMTC). Identifiers: Orphanet 653, Orphanet 99361, MedGen C1833921, MONDO:0007958, OMIM 155240.
Hirschsprung disease, susceptibility to, 1 (HSCR1). Also called: RET-Related Hirschsprung Disease. Identifiers: Orphanet 388, MedGen C3888239, MONDO:0007723, OMIM 142623.
Multiple endocrine neoplasia type 2A. Also called: MULTIPLE ENDOCRINE NEOPLASIA, TYPE IIA; PTC SYNDROME; SIPPLE SYNDROME; MEN 2A; MEN-2A syndrome; Pheochromocytoma and amyloid producing medullary thyroid carcinoma. Identifiers: Orphanet 247698, Orphanet 653, MedGen C0025268, MeSH D018813, MONDO:0008234, OMIM 171400.
Hereditary cancer-predisposing syndrome. Also called: Neoplastic Syndromes, Hereditary; Tumor predisposition; Hereditary Cancer Syndrome; Hereditary neoplastic syndrome. Identifiers: Orphanet 140162, MedGen C0027672, MeSH D009386, MONDO:0015356.

Allele frequency attached by ClinVar (database versions not stated): TOPMed 0.00001.

Submissions (4):

Labcorp Genetics (formerly Invitae), Labcorp
Classification: Uncertain significance for Multiple endocrine neoplasia, type 2. Last evaluated: 2025-08-11. Review status: criteria provided, single submitter. Criteria: Invitae Variant Classification Sherloc (09022015). Collection method: clinical testing. Allele origin: germline.
Comment: This sequence change replaces glutamic acid, which is acidic and polar, with lysine, which is basic and polar, at codon 107 of the RET protein (p.Glu107Lys). This variant is not present in population databases (gnomAD no frequency). This variant has not been reported in the literature in individuals affected with RET-related conditions. ClinVar contains an entry for this variant (Variation ID: 1063665). An algorithm developed to predict the effect of missense changes on protein structure and function outputs the following: PolyPhen-2: "Benign". The lysine amino acid residue is found in multiple mammalian species, which suggests that this missense change does not adversely affect protein function. In summary, the available evidence is currently insufficient to determine the role of this variant in disease. Therefore, it has been classified as a Variant of Uncertain Significance.

Ambry Genetics
Classification: Uncertain significance for Hereditary cancer-predisposing syndrome. Last evaluated: 2024-10-29. Review status: criteria provided, single submitter. Criteria: Ambry Variant Classification Scheme 2023. Collection method: clinical testing. Allele origin: germline.
Comment: The p.E107K variant (also known as c.319G>A), located in coding exon 2 of the RET gene, results from a G to A substitution at nucleotide position 319. The glutamic acid at codon 107 is replaced by lysine, an amino acid with similar properties. This amino acid position is well conserved in available vertebrate species. In addition, this alteration is predicted to be tolerated by in silico analysis. Based on the available evidence, the clinical significance of this variant remains unclear.

Fulgent Genetics
Classification: Uncertain significance for Hirschsprung disease, susceptibility to, 1; Familial medullary thyroid carcinoma; Multiple endocrine neoplasia type 2B; Pheochromocytoma; Multiple endocrine neoplasia type 2A. Last evaluated: 2024-01-20. Review status: criteria provided, single submitter. Criteria: ACMG Guidelines, 2015. Collection method: clinical testing. Allele origin: germline.

GeneDx
Classification: Uncertain significance. Last evaluated: 2022-11-02. Review status: criteria provided, single submitter. Criteria: GeneDx Variant Classification Process June 2021. Collection method: clinical testing. Allele origin: germline. Affected: yes.
Comment: Not observed at significant frequency in large population cohorts (gnomAD); In silico analysis supports that this missense variant does not alter protein structure/function; Has not been previously published as pathogenic or benign to our knowledge; This variant is associated with the following publications: (PMID: 14633923)